The following is an entry in ClinVar:

ClinVar aggregate classification (germline): Pathogenic/Likely pathogenic. Review status: criteria provided, multiple submitters, no conflicts (2 of 4 stars). 4 submissions from 4 submitters: Pathogenic (1); Likely pathogenic (1). 2 of the submissions do not count toward it. Last evaluated 2025-09-02.

Conditions:
Deficiency of alpha-mannosidase (MANSA). Also called: LYSOSOMAL ALPHA-D-MANNOSIDASE DEFICIENCY; Mannosidosis, alpha-, types I and II; Alpha-Mannosidosis. Identifiers: Orphanet 61, MedGen C0024748, MONDO:0009561, OMIM 248500.

Allele frequency attached by ClinVar (database versions not stated): gnomAD 0.00001.

Submissions (4):

Labcorp Genetics (formerly Invitae), Labcorp
Classification: Pathogenic for Deficiency of alpha-mannosidase. Last evaluated: 2025-09-02. Review status: criteria provided, single submitter. Criteria: Invitae Variant Classification Sherloc (09022015). Collection method: clinical testing. Allele origin: germline.
Comment: This sequence change replaces glycine, which is neutral and non-polar, with aspartic acid, which is acidic and polar, at codon 801 of the MAN2B1 protein (p.Gly801Asp). This variant is not present in population databases (gnomAD no frequency). This missense change has been observed in individual(s) with alpha-mannosidosis (PMID: 15712269, 37791705). In at least one individual the data is consistent with being in trans (on the opposite chromosome) from a pathogenic variant. ClinVar contains an entry for this variant (Variation ID: 208285). Invitae Evidence Modeling of protein sequence and biophysical properties (such as structural, functional, and spatial information, amino acid conservation, physicochemical variation, residue mobility, and thermodynamic stability) has been performed for this missense variant. However, the output from this modeling did not meet the statistical confidence thresholds required to predict the impact of this variant on MAN2B1 protein function. Experimental studies have shown that this missense change affects MAN2B1 function (PMID: 15712269). For these reasons, this variant has been classified as Pathogenic.

GeneDx
Classification: Likely pathogenic. Last evaluated: 2023-01-25. Review status: criteria provided, single submitter. Criteria: GeneDx Variant Classification Process June 2021. Collection method: clinical testing. Allele origin: germline. Affected: yes.
Comment: Not observed at significant frequency in large population cohorts (gnomAD); In silico analysis supports that this missense variant has a deleterious effect on protein structure/function; This variant is associated with the following publications: (PMID: 19958498, 15712269)

Counsyl
Classification: Uncertain significance for Deficiency of alpha-mannosidase. Last evaluated: 2017-11-22. Review status: no assertion criteria provided. Collection method: clinical testing. Allele origin: unknown. Not counted in ClinVar's aggregate classification.

ClinVar Staff, National Center for Biotechnology Information (NCBI)
Classification: Uncertain significance for Deficiency of alpha-mannosidase. Last evaluated: 2012-06-07. Review status: no assertion criteria provided. Collection method: literature only. Allele origin: germline. Affected: yes. Not counted in ClinVar's aggregate classification.

Literature cited by the submitters: PubMed 15712269 (cited by 3 submitters); PubMed 37791705 (cited by Labcorp Genetics (formerly Invitae), Labcorp).

NM_000528.4(MAN2B1):c.2402G>A (p.Gly801Asp)

Gene: MAN2B1 (mannosidase alpha class 2B member 1; minus strand). Cytogenetic location: 19p13.13.
Variant type: single nucleotide variant.
Coding change: c.2402G>A on transcript NM_000528.4 (MANE Select); coding-DNA position 2402, G replaced by A.
Protein change: p.Gly801Asp; replaces glycine 801 with aspartic acid.
Molecular consequence: missense variant.
Genome position (GRCh38, 1-based): chr19:12,649,170, C>T on the plus strand (G>A on the coding strand, the complement: MAN2B1 is on the minus strand). VCF-style: chr19-12649170-C-T. GRCh37 (hg19) VCF-style: chr19-12759984-C-T.
Other names: c.2399G>A, p.Gly800Asp (NM_001173498.2); short protein forms G801D, G800D.
Identifiers: ClinVar variation 208285 (VCV000208285.6), dbSNP rs864621994, ClinGen allele CA350919.
Genomic context (GRCh38, chr19:12,649,170, plus strand): 5'-CTCGGATGGGGCTCTGACCCACTCACCATGAGCTCCAGCGAGCCATCTCTCAGGCTGCTG[C>T]CCCCCTGGGAGCGGTCAGTCAGCACAGTCAGCTGCATGTTTCCATCCTGGGAGTTGAAGG-3'
Protein context (NP_000519.2, residues 791-811): LTVLTDRSQG[Gly801Asp]SSLRDGSLEL